The following is an entry in ClinVar:

ClinVar aggregate classification (germline): Uncertain significance (1 of 4 stars; one submission).

Conditions:
Norman-Roberts syndrome (LIS2). Also called: Lissencephaly 2 (Norman-Roberts type). Identifiers: Orphanet 89844, MedGen C0796089, MONDO:0009760, OMIM 257320.
Familial temporal lobe epilepsy 7. Identifiers: Orphanet 101046, MedGen C4225327, MONDO:0014639, OMIM 616436.

gnomAD v4.1: 12 of 1,613,594 alleles (0.00074%); highest among the groups gnomAD compares: Admixed American, 0.0033%; no homozygotes.

Submission:

Labcorp Genetics (formerly Invitae), Labcorp
Classification: Uncertain significance for Familial temporal lobe epilepsy 7; Norman-Roberts syndrome. Last evaluated: 2024-11-19. Review status: criteria provided, single submitter. Criteria: Invitae Variant Classification Sherloc (09022015). Collection method: clinical testing. Allele origin: germline.
Comment: This sequence change replaces glycine, which is neutral and non-polar, with glutamic acid, which is acidic and polar, at codon 1113 of the RELN protein (p.Gly1113Glu). This variant is present in population databases (rs751103966, gnomAD 0.005%). This missense change has been observed in individual(s) with RELN-related conditions (PMID: 33004838). Invitae Evidence Modeling of protein sequence and biophysical properties (such as structural, functional, and spatial information, amino acid conservation, physicochemical variation, residue mobility, and thermodynamic stability) indicates that this missense variant is not expected to disrupt RELN protein function with a negative predictive value of 80%. In summary, the available evidence is currently insufficient to determine the role of this variant in disease. Therefore, it has been classified as a Variant of Uncertain Significance.

Literature cited by the submitters: PubMed 33004838.

NM_005045.4(RELN):c.3338G>A (p.Gly1113Glu)

Gene: RELN (reelin; minus strand). Cytogenetic location: 7q22.1.
Variant type: single nucleotide variant.
Coding change: c.3338G>A on transcript NM_005045.4 (MANE Select); coding-DNA position 3338, G replaced by A.
Protein change: p.Gly1113Glu; replaces glycine 1113 with glutamic acid.
Molecular consequence: missense variant.
Genome position (GRCh38, 1-based): chr7:103,596,657, C>T on the plus strand (G>A on the coding strand, the complement: RELN is on the minus strand). VCF-style: chr7-103596657-C-T. GRCh37 (hg19) VCF-style: chr7-103237104-C-T.
Other names: c.3338G>A, p.Gly1113Glu (NM_173054.3); short protein forms G1113E.
Identifiers: ClinVar variation 3762873 (VCV003762873.2).